The following is an entry in ClinVar:

NM_001371596.2(MFSD8):c.190C>A (p.Leu64Ile)

Gene: MFSD8 (major facilitator superfamily domain containing 8; minus strand). Cytogenetic location: 4q28.2.
Variant type: single nucleotide variant.
Coding change: c.190C>A on transcript NM_001371596.2 (MANE Select); coding-DNA position 190, C replaced by A.
Protein change: p.Leu64Ile; replaces leucine 64 with isoleucine.
Molecular consequence: missense variant.
Genome position (GRCh38, 1-based): chr4:127,949,812, G>T on the plus strand (C>A on the coding strand, the complement: MFSD8 is on the minus strand). VCF-style: chr4-127949812-G-T. GRCh37 (hg19) VCF-style: chr4-128870967-G-T.
Other names: p.Leu64Ile; c.190C>A, p.Leu64Ile (NM_001363520.3, NM_001363521.3, NM_001371591.2 and 6 more transcripts); c.55C>A, p.Leu19Ile (NM_001371590.2, NM_001371595.1, NM_001410765.1); short protein forms L19I, L64I.
Identifiers: ClinVar variation 4540999 (VCV004540999.1).
Genomic context (GRCh38, chr4:127,949,812, plus strand): 5'-AGAGTTACTACTACTGTAGCTATAAGGGAAAAATAGATTGAAATGTACAAACCTTTTGGA[G>T]ATATGGCCATATGGACATCATCACTACAGAAAACCCTGTGAAGAAGCAAACTAGGTTATT-3'
Protein context (NP_001358525.1, residues 54-74): SVVMMSIWPY[Leu64Ile]QKIDPTADTS

ClinVar aggregate classification (germline): Uncertain significance (1 of 4 stars; one submission).

Submission:

Mayo Clinic Laboratories, Mayo Clinic
Classification: Uncertain significance. Last evaluated: 2025-02-12. Review status: criteria provided, single submitter. Criteria: ACMG Guidelines, 2015. Collection method: clinical testing. Allele origin: germline. Observed: 1 variant allele.
Comment: BP4, PM2_supporting